The following is an entry in ClinVar:

ClinVar aggregate classification (germline): Uncertain significance (1 of 4 stars; one submission).

Conditions:
Immunodeficiency-centromeric instability-facial anomalies syndrome 2 (ICF2). Identifiers: Orphanet 2268, MedGen C3279748, MONDO:0013553, OMIM 614069.

Submission:

Labcorp Genetics (formerly Invitae), Labcorp
Classification: Uncertain significance for Immunodeficiency-centromeric instability-facial anomalies syndrome 2. Last evaluated: 2022-08-19. Review status: criteria provided, single submitter. Criteria: Invitae Variant Classification Sherloc (09022015). Collection method: clinical testing. Allele origin: germline.
Comment: This sequence change replaces isoleucine, which is neutral and non-polar, with methionine, which is neutral and non-polar, at codon 89 of the ZBTB24 protein (p.Ile89Met). This variant is not present in population databases (gnomAD no frequency). This variant has not been reported in the literature in individuals affected with ZBTB24-related conditions. ClinVar contains an entry for this variant (Variation ID: 1004644). Algorithms developed to predict the effect of missense changes on protein structure and function output the following: SIFT: "Not Available"; PolyPhen-2: "Benign"; Align-GVGD: "Not Available". The methionine amino acid residue is found in multiple mammalian species, which suggests that this missense change does not adversely affect protein function. Algorithms developed to predict the effect of sequence changes on RNA splicing suggest that this variant may create or strengthen a splice site. In summary, the available evidence is currently insufficient to determine the role of this variant in disease. Therefore, it has been classified as a Variant of Uncertain Significance.

NM_014797.3(ZBTB24):c.267C>G (p.Ile89Met)

Gene: ZBTB24 (zinc finger and BTB domain containing 24; minus strand). Cytogenetic location: 6q21.
Variant type: single nucleotide variant.
Coding change: c.267C>G on transcript NM_014797.3 (MANE Select); coding-DNA position 267, C replaced by G.
Protein change: p.Ile89Met; replaces isoleucine 89 with methionine.
Molecular consequence: missense variant.
Genome position (GRCh38, 1-based): chr6:109,481,760, G>C on the plus strand (C>G on the coding strand, the complement: ZBTB24 is on the minus strand). VCF-style: chr6-109481760-G-C. GRCh37 (hg19) VCF-style: chr6-109802963-G-C.
Other names: c.267C>G, p.Ile89Met (NM_001164313.2); short protein forms I89M.
Identifiers: ClinVar variation 1004644 (VCV001004644.5), dbSNP rs1776422013, ClinGen allele CA365210803.